The following is an entry in ClinVar:

ClinVar aggregate classification (germline): Uncertain significance (1 of 4 stars; one submission).

Allele frequency attached by ClinVar (database versions not stated): gnomAD exomes below 0.00001.
gnomAD v4.1: 1 of 1,612,448 alleles (0.000062%); highest among the groups gnomAD compares: Non-Finnish European, 0.000085%; no homozygotes.

Submission:

Labcorp Genetics (formerly Invitae), Labcorp
Classification: Uncertain significance. Last evaluated: 2023-10-09. Review status: criteria provided, single submitter. Criteria: Invitae Variant Classification Sherloc (09022015). Collection method: clinical testing. Allele origin: germline.
Comment: This sequence change replaces serine, which is neutral and polar, with threonine, which is neutral and polar, at codon 463 of the KMT2A protein (p.Ser463Thr). This variant is not present in population databases (gnomAD no frequency). This variant has not been reported in the literature in individuals affected with KMT2A-related conditions. Advanced modeling of protein sequence and biophysical properties (such as structural, functional, and spatial information, amino acid conservation, physicochemical variation, residue mobility, and thermodynamic stability) has been performed at Invitae for this missense variant, however the output from this modeling did not meet the statistical confidence thresholds required to predict the impact of this variant on KMT2A protein function. In summary, the available evidence is currently insufficient to determine the role of this variant in disease. Therefore, it has been classified as a Variant of Uncertain Significance.

NM_001197104.2(KMT2A):c.1388G>C (p.Ser463Thr)

Gene: KMT2A (lysine methyltransferase 2A; plus strand). Cytogenetic location: 11q23.3.
Variant type: single nucleotide variant.
Coding change: c.1388G>C on transcript NM_001197104.2 (MANE Select); coding-DNA position 1388, G replaced by C.
Protein change: p.Ser463Thr; replaces serine 463 with threonine.
Molecular consequence: missense variant.
Genome position (GRCh38, 1-based): chr11:118,472,547, G>C. VCF-style: chr11-118472547-G-C. GRCh37 (hg19) VCF-style: chr11-118343262-G-C.
Other names: c.1487G>C, p.Ser496Thr (NM_001412597.1); c.1388G>C, p.Ser463Thr (NM_005933.4); short protein forms S463T, S496T.
Identifiers: ClinVar variation 2737741 (VCV002737741.3), dbSNP rs2496798699, ClinGen allele CA382810007.